The following is an entry in ClinVar:

NM_015557.3(CHD5):c.3587G>A (p.Gly1196Asp)

Gene: CHD5 (chromodomain helicase DNA binding protein 5; minus strand). Cytogenetic location: 1p36.31.
Variant type: single nucleotide variant.
Coding change: c.3587G>A on transcript NM_015557.3 (MANE Select); coding-DNA position 3587, G replaced by A.
Protein change: p.Gly1196Asp; replaces glycine 1196 with aspartic acid.
Molecular consequence: missense variant.
Genome position (GRCh38, 1-based): chr1:6,128,870, C>T on the plus strand (G>A on the coding strand, the complement: CHD5 is on the minus strand). VCF-style: chr1-6128870-C-T. GRCh37 (hg19) VCF-style: chr1-6188930-C-T.
Other names: short protein forms G1196D.
Identifiers: ClinVar variation 2504936 (VCV002504936.1), dbSNP rs2525379958, ClinGen allele CA338075931.

ClinVar aggregate classification (germline): Uncertain significance (1 of 4 stars; one submission).

Submission:

GeneDx
Classification: Uncertain significance. Last evaluated: 2023-05-25. Review status: criteria provided, single submitter. Criteria: GeneDx Variant Classification Process June 2021. Collection method: clinical testing. Allele origin: germline. Affected: yes.
Comment: Not observed at significant frequency in large population cohorts (gnomAD); In silico analysis supports that this missense variant has a deleterious effect on protein structure/function; Has not been previously published as pathogenic or benign to our knowledge